The following is an entry in ClinVar:

NM_001197104.2(KMT2A):c.4924G>A (p.Glu1642Lys)

Gene: KMT2A (lysine methyltransferase 2A; plus strand). Cytogenetic location: 11q23.3.
Variant type: single nucleotide variant.
Coding change: c.4924G>A on transcript NM_001197104.2 (MANE Select); coding-DNA position 4924, G replaced by A.
Protein change: p.Glu1642Lys; replaces glutamic acid 1642 with lysine.
Molecular consequence: missense variant.
Genome position (GRCh38, 1-based): chr11:118,491,848, G>A. VCF-style: chr11-118491848-G-A. GRCh37 (hg19) VCF-style: chr11-118362563-G-A.
Other names: c.4915G>A, p.Glu1639Lys (NM_005933.4); short protein forms E1639K, E1642K.
Identifiers: ClinVar variation 1328559 (VCV001328559.4), dbSNP rs369646146, ClinGen allele CA382834928.
Genomic context (GRCh38, chr11:118,491,848, plus strand): 5'-TACACTTGTGTGAACTGTACTGAGCGGCACCCTGCAGAGTGGCGACTGGCCCTTGAAAAA[G>A]AGCTGCAGATTTCTCTGAAGCAAGTTCTGACAGCTTTGTTGAATTCTCGGACTACCAGCC-3'
Protein context (NP_001184033.1, residues 1632-1652): PAEWRLALEK[Glu1642Lys]LQISLKQVLT

ClinVar aggregate classification (germline): Uncertain significance (1 of 4 stars; one submission).

Conditions:
Wiedemann-Steiner syndrome (WDSTS). Also called: Growth deficiency and mental retardation with facial dysmorphism. Identifiers: Orphanet 319182, MedGen C1854630, MONDO:0011518, OMIM 605130.

Submission:

Illumina Laboratory Services, Illumina
Classification: Uncertain significance for Wiedemann-Steiner syndrome. Last evaluated: 2021-04-07. Review status: criteria provided, single submitter. Criteria: ICSLVariantClassificationCriteria RUGD 01 April 2020. Collection method: clinical testing. Allele origin: unknown.
Comment: The KMT2A c.4924G>A (p.Glu1642Lys) variant is a missense variant. A literature search was conducted for the gene, cDNA change, and amino acid change. No publications were identified through this search. The variant is not reported in the Genome Aggregation Database in a region of good sequencing coverage, indicating it is rare. In silico tools differ in their predictions of the functional consequence of this variant. Based on the limited evidence available, the p.Glu1642Lys variant is classified as a variant of uncertain significance for Wiedemann-Steiner syndrome.